The following is an entry in ClinVar:

ClinVar aggregate classification (germline): Benign/Likely benign. Review status: criteria provided, multiple submitters, no conflicts (2 of 4 stars). 2 submissions from 2 submitters: Benign (1); Likely benign (1). Last evaluated 2025-10-04.

Conditions:
Brain small vessel disease 2A, autosomal dominant. Also called: Porencephaly 2. Identifiers: Orphanet 2940, Orphanet 99810, MedGen C3280970, MONDO:0013773, OMIM 614483.

Allele frequency attached by ClinVar (database versions not stated): gnomAD 0.00001 and 0.00002; TOPMed 0.00002; ExAC 0.00004; gnomAD exomes 0.00004 and 0.00010; ESP Exome Variant Server 0.00008.
gnomAD v4.1: 151 of 1,613,894 alleles (0.0094%); highest among the groups gnomAD compares: Non-Finnish European, 0.012%; no homozygotes.

Submissions (2):

Labcorp Genetics (formerly Invitae), Labcorp
Classification: Likely benign. Last evaluated: 2025-10-04. Review status: criteria provided, single submitter. Criteria: Invitae Variant Classification Sherloc (09022015). Collection method: clinical testing. Allele origin: germline.

Illumina Laboratory Services, Illumina
Classification: Benign for Brain small vessel disease 2A, autosomal dominant. Last evaluated: 2018-01-13. Review status: criteria provided, single submitter. Criteria: ICSL Variant Classification Criteria 13 December 2019. Collection method: clinical testing. Allele origin: germline.
Comment: This variant was observed in the ICSL laboratory as part of a predisposition screen in an ostensibly healthy population. It had not been previously curated by ICSL or reported in the Human Gene Mutation Database (HGMD: prior to June 1st, 2018), and was therefore a candidate for classification through an automated scoring system. Utilizing variant allele frequency, disease prevalence and penetrance estimates, and inheritance mode, an automated score was calculated to assess if this variant is too frequent to cause the disease. Based on the score and internal cut-off values, a variant classified as benign is not then subjected to further curation. The score for this variant resulted in a classification of benign for this disease.

NM_001846.4(COL4A2):c.2095+9C>T

Gene: COL4A2 (collagen type IV alpha 2 chain; plus strand). Cytogenetic location: 13q34.
Variant type: single nucleotide variant.
Coding change: c.2095+9C>T on transcript NM_001846.4 (MANE Select); 9 bases into the intron after coding-DNA position 2095, C replaced by T.
Molecular consequence: intron variant.
Genome position (GRCh38, 1-based): chr13:110,467,105, C>T. VCF-style: chr13-110467105-C-T. GRCh37 (hg19) VCF-style: chr13-111119452-C-T.
Identifiers: ClinVar variation 311144 (VCV000311144.7), dbSNP rs369918222, ClinGen allele CA7049820.